The following is an entry in ClinVar:

NM_001605.3(AARS1):c.604C>T (p.His202Tyr)

Gene: AARS1 (alanyl-tRNA synthetase 1; minus strand). Cytogenetic location: 16q22.1.
Variant type: single nucleotide variant.
Coding change: c.604C>T on transcript NM_001605.3 (MANE Select); coding-DNA position 604, C replaced by T.
Protein change: p.His202Tyr; replaces histidine 202 with tyrosine.
Molecular consequence: missense variant.
Genome position (GRCh38, 1-based): chr16:70,271,848, G>A on the plus strand (C>T on the coding strand, the complement: AARS1 is on the minus strand). VCF-style: chr16-70271848-G-A. GRCh37 (hg19) VCF-style: chr16-70305751-G-A.
Other names: short protein forms H202Y.
Identifiers: ClinVar variation 1799988 (VCV001799988.2), dbSNP rs1960411156, ClinGen allele CA396566639.

ClinVar aggregate classification (germline): Uncertain significance (1 of 4 stars; one submission).

Conditions:
Inborn genetic diseases. Identifiers: MedGen C0950123, MeSH D030342.

Allele frequency attached by ClinVar (database versions not stated): TOPMed below 0.00001.

Submission:

Ambry Genetics
Classification: Uncertain significance for Inborn genetic diseases. Last evaluated: 2022-08-29. Review status: criteria provided, single submitter. Criteria: Ambry Variant Classification Scheme 2023. Collection method: clinical testing. Allele origin: germline.
Comment: The p.H202Y variant (also known as c.604C>T), located in coding exon 4 of the AARS gene, results from a C to T substitution at nucleotide position 604. The histidine at codon 202 is replaced by tyrosine, an amino acid with similar properties. This amino acid position is conserved. In addition, the in silico prediction for this alteration is inconclusive. Since supporting evidence is limited at this time, the clinical significance of this alteration remains unclear.